The following is an entry in ClinVar:

NM_000455.5(STK11):c.924G>A (p.Trp308Ter)

Gene: STK11 (serine/threonine kinase 11; plus strand). Cytogenetic location: 19p13.3.
Variant type: single nucleotide variant.
Coding change: c.924G>A on transcript NM_000455.5 (MANE Select); coding-DNA position 924, G replaced by A.
Protein change: p.Trp308Ter; replaces tryptophan 308 with a stop codon.
Molecular consequence: nonsense. On other transcripts: non-coding transcript variant (1).
Genome position (GRCh38, 1-based): chr19:1,222,988, G>A. VCF-style: chr19-1222988-G-A. GRCh37 (hg19) VCF-style: chr19-1222987-G-A.
Other names: c.924G>A, p.Trp308Ter (NM_001407255.1); short protein forms W308*.
Identifiers: ClinVar variation 3231752 (VCV003231752.2), dbSNP rs1057520042, ClinGen allele CA402951426.

ClinVar aggregate classification (germline): Pathogenic. Review status: criteria provided, multiple submitters, no conflicts (2 of 4 stars). 2 submissions from 2 submitters: Pathogenic (2). Last evaluated 2025-01-10.

Conditions:
Hereditary cancer-predisposing syndrome. Also called: Hereditary Cancer Syndrome; Tumor predisposition; Neoplastic Syndromes, Hereditary; Hereditary neoplastic syndrome. Identifiers: Orphanet 140162, MedGen C0027672, MeSH D009386, MONDO:0015356.
Peutz-Jeghers syndrome (PJS). Also called: POLYPOSIS, HAMARTOMATOUS INTESTINAL; POLYPS-AND-SPOTS SYNDROME; Peutz-Jeghers polyposis; Periorificial lentiginosis syndrome. Identifiers: Orphanet 2869, MedGen C0031269, MeSH D010580, MONDO:0008280, OMIM 175200.

Submissions (2):

Department of Clinical Genetics, Copenhagen University Hospital, Rigshospitalet
Classification: Pathogenic for Peutz-Jeghers syndrome. Last evaluated: 2025-01-10. Review status: criteria provided, single submitter. Criteria: ACMG Guidelines, 2015. Collection method: clinical testing. Allele origin: germline. Affected: yes.
Comment: The following ACMG criteria was used: PVS1; PM2_SUP; PS4_SUP

Ambry Genetics
Classification: Pathogenic for Hereditary cancer-predisposing syndrome. Last evaluated: 2023-10-06. Review status: criteria provided, single submitter. Criteria: Ambry Variant Classification Scheme 2023. Collection method: clinical testing. Allele origin: germline.
Comment: The p.W308* pathogenic mutation (also known as c.924G>A), located in coding exon 8 of the STK11 gene, results from a G to A substitution at nucleotide position 924. This changes the amino acid from a tryptophan to a stop codon within coding exon 8. This mutation has been reported in several individuals with clinical diagnoses or features of Peutz-Jeghers syndrome (PJS) (Resta N et al. Dig Liver Dis, 2013 Jul;45:606-11; Jiang YL et al. BMC Med Genet, 2018 Aug;19:141; Liu Q et al. Diagn Pathol, 2022 Dec;17:96). In addition to the clinical data presented in the literature, this alteration is expected to result in loss of function by premature protein truncation or nonsense-mediated mRNA decay. As such, this alteration is interpreted as a disease-causing mutation.

Literature cited by the submitters: PubMed 37017260 (cited by Department of Clinical Genetics, Copenhagen University Hospital, Rigshospitalet); PubMed 23415580 (cited by Ambry Genetics); PubMed 30092773 (cited by Ambry Genetics); PubMed 36578081 (cited by Ambry Genetics).